The following is an entry in ClinVar:

ClinVar aggregate classification (germline): Uncertain significance (1 of 4 stars; one submission).

Conditions:
Hypertrophic cardiomyopathy. Also called: HYPERTROPHIC MYOCARDIOPATHY. Identifiers: Orphanet 217569, MedGen C0007194, MeSH D002312, MONDO:0005045, HP:0001639.

gnomAD v4.1: 1 of 1,600,780 alleles (0.000062%); highest among the groups gnomAD compares: Admixed American, 0.0017%; no homozygotes.

Submission:

Labcorp Genetics (formerly Invitae), Labcorp
Classification: Uncertain significance for Hypertrophic cardiomyopathy. Last evaluated: 2019-05-10. Review status: criteria provided, single submitter. Criteria: Invitae Variant Classification Sherloc (09022015). Collection method: clinical testing. Allele origin: germline.
Comment: In summary, the available evidence is currently insufficient to determine the role of this variant in disease. Therefore, it has been classified as a Variant of Uncertain Significance. Algorithms developed to predict the effect of missense changes on protein structure and function (SIFT, PolyPhen-2, Align-GVGD) all suggest that this variant is likely to be tolerated, but these predictions have not been confirmed by published functional studies and their clinical significance is uncertain. This variant has not been reported in the literature in individuals with MYOM1-related conditions. This variant is not present in population databases (ExAC no frequency). This sequence change replaces glutamine with arginine at codon 189 of the MYOM1 protein (p.Gln189Arg). The glutamine residue is weakly conserved and there is a small physicochemical difference between glutamine and arginine.

NM_003803.4(MYOM1):c.566A>G (p.Gln189Arg)

Gene: MYOM1 (myomesin 1; minus strand). Cytogenetic location: 18p11.31.
Variant type: single nucleotide variant.
Coding change: c.566A>G on transcript NM_003803.4 (MANE Select); coding-DNA position 566, A replaced by G.
Protein change: p.Gln189Arg; replaces glutamine 189 with arginine.
Molecular consequence: missense variant.
Genome position (GRCh38, 1-based): chr18:3,188,953, T>C on the plus strand (A>G on the coding strand, the complement: MYOM1 is on the minus strand). VCF-style: chr18-3188953-T-C. GRCh37 (hg19) VCF-style: chr18-3188951-T-C.
Other names: c.566A>G, p.Gln189Arg (NM_019856.2); short protein forms Q189R.
Identifiers: ClinVar variation 944602 (VCV000944602.9), dbSNP rs373424159, ClinGen allele CA401716819.